The following is an entry in ClinVar:

ClinVar aggregate classification (germline): Uncertain significance (1 of 4 stars; one submission).

Allele frequency attached by ClinVar (database versions not stated): gnomAD 0.00001.

Submission:

Labcorp Genetics (formerly Invitae), Labcorp
Classification: Uncertain significance. Last evaluated: 2024-11-04. Review status: criteria provided, single submitter. Criteria: Invitae Variant Classification Sherloc (09022015). Collection method: clinical testing. Allele origin: germline.
Comment: This variant, c.5559_5561del, is a complex sequence change that results in the deletion of 2 and insertion of 1 amino acid(s) in the USH2A protein (p.Leu1853_Cys1854delinsPhe). This variant is not present in population databases (gnomAD no frequency). This variant has not been reported in the literature in individuals affected with USH2A-related conditions. ClinVar contains an entry for this variant (Variation ID: 1471259). Experimental studies and prediction algorithms are not available or were not evaluated, and the functional significance of this variant is currently unknown. In summary, the available evidence is currently insufficient to determine the role of this variant in disease. Therefore, it has been classified as a Variant of Uncertain Significance.

NM_206933.4(USH2A):c.5559_5561del (p.Leu1853_Cys1854delinsPhe)

Genes: USH2A (usherin; minus strand), USH2A-AS2 (USH2A antisense RNA 2; plus strand). Cytogenetic location: 1q41.
Variant type: Deletion.
Coding change: c.5559_5561del on transcript NM_206933.4 (MANE Select); coding-DNA positions 5559 to 5561, 3 bases deleted (GTG; older notation c.5559_5561delGTG).
Protein change: p.Leu1853_Cys1854delinsPhe.
Molecular consequence: inframe indel.
Genome position (GRCh38, 1-based): chr1:216,078,100-216,078,102, CAC deleted on the plus strand (GTG on the coding strand, the reverse complement: USH2A is on the minus strand). VCF-style (leftmost placement, unchanged base first): chr1-216078099-ACAC-A. GRCh37 (hg19) VCF-style: chr1-216251441-ACAC-A.
Identifiers: ClinVar variation 1471259 (VCV001471259.6), dbSNP rs2031812954, ClinGen allele CA1012223808.